The following is an entry in ClinVar:

ClinVar aggregate classification (germline): Pathogenic (1 of 4 stars; one submission).

Conditions:
Ehlers-Danlos syndrome, classic type, 1 (EDSCL1). Also called: EHLERS-DANLOS SYNDROME, GRAVIS TYPE; EHLERS-DANLOS SYNDROME, SEVERE CLASSIC TYPE; Ehlers-Danlos syndrome, type 1; EDS I; Ehlers-Danlos Syndrome, Classic Type, COL5A1-Related. Identifiers: MedGen C0268335, MONDO:0019567, OMIM 130000.
Osteogenesis imperfecta type I (OI1). Also called: OI, TYPE I; OSTEOGENESIS IMPERFECTA TARDA; OSTEOGENESIS IMPERFECTA WITH BLUE SCLERAE; Osteogenesis imperfecta type 1; Lobstein's Disease; Lobstein disease. Identifiers: Orphanet 216796, Orphanet 666, MedGen C0023931, MONDO:0008146, OMIM 166200. Disease mechanism: loss of function.

Submission:

Labcorp Genetics (formerly Invitae), Labcorp
Classification: Pathogenic for Osteogenesis imperfecta type I; Ehlers-Danlos syndrome, classic type, 1. Last evaluated: 2022-06-10. Review status: criteria provided, single submitter. Criteria: Invitae Variant Classification Sherloc (09022015). Collection method: clinical testing. Allele origin: germline.
Comment: Advanced modeling of protein sequence and biophysical properties (such as structural, functional, and spatial information, amino acid conservation, physicochemical variation, residue mobility, and thermodynamic stability) performed at Invitae indicates that this missense variant is expected to disrupt COL1A2 protein function. This missense change has been observed in individual(s) with autosomal dominant osteogenesis imperfecta (PMID: 27509835). This variant is not present in population databases (gnomAD no frequency). This sequence change replaces glycine, which is neutral and non-polar, with arginine, which is basic and polar, at codon 616 of the COL1A2 protein (p.Gly616Arg). For these reasons, this variant has been classified as Pathogenic. This variant disrupts the triple helix domain of COL1A2. Glycine residues within the Gly-Xaa-Yaa repeats of the triple helix domain are required for the structure and stability of fibrillar collagens (PMID: 7695699, 8218237, 19344236). In COL1A2, variants affecting these glycine residues are significantly enriched in individuals with disease (PMID: 9016532, 17078022) compared to the general population (ExAC).

Literature cited by the submitters: PubMed 27509835; PubMed 7695699; PubMed 8218237; PubMed 19344236; PubMed 9016532; PubMed 17078022.

NM_000089.4(COL1A2):c.1846G>A (p.Gly616Arg)

Gene: COL1A2 (collagen type I alpha 2 chain; plus strand). Cytogenetic location: 7q21.3.
Variant type: single nucleotide variant.
Coding change: c.1846G>A on transcript NM_000089.4 (MANE Select); coding-DNA position 1846, G replaced by A.
Protein change: p.Gly616Arg; replaces glycine 616 with arginine.
Molecular consequence: missense variant.
Genome position (GRCh38, 1-based): chr7:94,416,486, G>A. VCF-style: chr7-94416486-G-A. GRCh37 (hg19) VCF-style: chr7-94045798-G-A.
Other names: short protein forms G616R.
Identifiers: ClinVar variation 2004468 (VCV002004468.4), dbSNP rs2484719924, ClinGen allele CA368222714.
Genomic context (GRCh38, chr7:94,416,486, plus strand): 5'-GAGAGTGGTGCTGCCGGTCCTACTGGTCCTATTGGAAGCCGAGGTCCTTCTGGACCCCCA[G>A]GGCCTGATGGAAACAAGGTAAAATCTTATGTTTTCTATATTGCTGGTTTGGCCCAGTCTG-3'
Protein context (NP_000080.2, residues 606-626): IGSRGPSGPP[Gly616Arg]PDGNKGEPGV